The following is an entry in ClinVar:

ClinVar aggregate classification (germline): Uncertain significance. Review status: criteria provided, multiple submitters, no conflicts (2 of 4 stars). 2 submissions from 2 submitters: Uncertain significance (2). Last evaluated 2023-12-07.

Conditions:
Hypokalemic periodic paralysis, type 1. Also called: Hypokalemic Periodic Paralysis Type 1 (AD); HypoPP. Identifiers: Orphanet 681, MedGen C3714580, MONDO:0042979, OMIM 170400.
Malignant hyperthermia, susceptibility to, 5 (MHS5). Also called: CACNA1S-Related Malignant Hyperthermia Susceptibility. Identifiers: Orphanet 423, MedGen C1866077, MONDO:0011163, OMIM 601887.

Submissions (2):

Labcorp Genetics (formerly Invitae), Labcorp
Classification: Uncertain significance for Hypokalemic periodic paralysis, type 1; Malignant hyperthermia, susceptibility to, 5. Last evaluated: 2023-12-07. Review status: criteria provided, single submitter. Criteria: Invitae Variant Classification Sherloc (09022015). Collection method: clinical testing. Allele origin: germline.
Comment: This sequence change replaces threonine, which is neutral and polar, with alanine, which is neutral and non-polar, at codon 1653 of the CACNA1S protein (p.Thr1653Ala). This variant is not present in population databases (gnomAD no frequency). This variant has not been reported in the literature in individuals affected with CACNA1S-related conditions. ClinVar contains an entry for this variant (Variation ID: 853093). Advanced modeling of protein sequence and biophysical properties (such as structural, functional, and spatial information, amino acid conservation, physicochemical variation, residue mobility, and thermodynamic stability) performed at Invitae indicates that this missense variant is not expected to disrupt CACNA1S protein function with a negative predictive value of 80%. In summary, the available evidence is currently insufficient to determine the role of this variant in disease. Therefore, it has been classified as a Variant of Uncertain Significance.

All of Us Research Program, National Institutes of Health
Classification: Uncertain significance for Malignant hyperthermia, susceptibility to, 5. Last evaluated: 2023-04-27. Review status: criteria provided, single submitter. Criteria: ACMG Guidelines, 2015. Collection method: clinical testing. Allele origin: germline. Inheritance: Autosomal dominant inheritance. Observed: 1 variant allele, 1 heterozygote.
Comment: This study involves interpretation of variants in research participants for the purpose of population health screening. Participant phenotype was not available at the time of variant classification. Additional details can be found in publication PMID: 35346344, PMCID: PMC8962531

NM_000069.3(CACNA1S):c.4957A>G (p.Thr1653Ala)

Gene: CACNA1S (calcium voltage-gated channel subunit alpha1 S; minus strand). Cytogenetic location: 1q32.1.
Variant type: single nucleotide variant.
Coding change: c.4957A>G on transcript NM_000069.3 (MANE Select); coding-DNA position 4957, A replaced by G.
Protein change: p.Thr1653Ala; replaces threonine 1653 with alanine.
Molecular consequence: missense variant.
Genome position (GRCh38, 1-based): chr1:201,043,372, T>C on the plus strand (A>G on the coding strand, the complement: CACNA1S is on the minus strand). VCF-style: chr1-201043372-T-C. GRCh37 (hg19) VCF-style: chr1-201012500-T-C.
Other names: short protein forms T1653A.
Identifiers: ClinVar variation 853093 (VCV000853093.11), dbSNP rs1660353768, ClinGen allele CA344136392.